The following is an entry in ClinVar:

ClinVar aggregate classification (germline): Uncertain significance. Review status: criteria provided, multiple submitters, no conflicts (2 of 4 stars). 2 submissions from 2 submitters: Uncertain significance (2). Last evaluated 2024-06-11.

Submissions (2):

Labcorp Genetics (formerly Invitae), Labcorp
Classification: Uncertain significance. Last evaluated: 2024-06-11. Review status: criteria provided, single submitter. Criteria: Invitae Variant Classification Sherloc (09022015). Collection method: clinical testing. Allele origin: germline.
Comment: This variant, c.2608_2610del, results in the deletion of 1 amino acid(s) of the RAI1 protein (p.Glu870del), but otherwise preserves the integrity of the reading frame. This variant is not present in population databases (gnomAD no frequency). This variant has not been reported in the literature in individuals affected with RAI1-related conditions. ClinVar contains an entry for this variant (Variation ID: 2501265). Experimental studies and prediction algorithms are not available or were not evaluated, and the functional significance of this variant is currently unknown. In summary, the available evidence is currently insufficient to determine the role of this variant in disease. Therefore, it has been classified as a Variant of Uncertain Significance.

Women's Health and Genetics/Laboratory Corporation of America, LabCorp
Classification: Uncertain significance. Last evaluated: 2023-03-29. Review status: criteria provided, single submitter. Criteria: LabCorp Variant Classification Summary - May 2015. Collection method: clinical testing. Allele origin: germline.
Comment: Variant summary: RAI1 c.2608_2610delGAG (p.Glu870del) results in an in-frame deletion that is predicted to remove one amino acid (Glu870) from the encoded protein. The variant was absent in 235306 control chromosomes (gnomAD). The available data on variant occurrences in the general population are insufficient to allow any conclusion about variant significance. To our knowledge, no occurrence of c.2608_2610delGAG in individuals affected with Smith-Magenis Syndrome and no experimental evidence demonstrating its impact on protein function have been reported. No clinical diagnostic laboratories have submitted clinical-significance assessments for this variant to ClinVar after 2014. Based on the evidence outlined above, the variant was classified as uncertain significance.

NM_030665.4(RAI1):c.2602GAG[2] (p.Glu870del)

Gene: RAI1 (retinoic acid induced 1; plus strand). Cytogenetic location: 17p11.2.
Variant type: Microsatellite.
Coding change: c.2602GAG[2] on transcript NM_030665.4 (MANE Select); two copies in a row of the 3-base unit GAG starting at c.2602; the reference has three copies in a row; one copy, 3 bases deleted.
Protein change: p.Glu870del; deletes glutamic acid 870.
Molecular consequence: inframe deletion.
Genome position (GRCh38, 1-based): chr17:17,795,556-17,795,558, GAG deleted; deleting any 3 consecutive bases within chr17:17,795,550-17,795,558 gives the same sequence; the position shown is the placement nearest the transcript's 3' end. VCF-style (leftmost placement, unchanged base first): chr17-17795549-TGAG-T. GRCh37 (hg19) VCF-style: chr17-17698863-TGAG-T.
Other names: short protein forms E870del.
Identifiers: ClinVar variation 2501265 (VCV002501265.4), dbSNP rs2032204219, ClinGen allele CA2250671965.
Genomic context (GRCh38, chr17:17,795,549, plus strand): 5'-CGCCGACTTCGGGGACCTCCCACTGCTGCCACCCACCAGCAGGAAGGAGGACCTGGAAGC[TGAG>T]GAGGAGTACTCCTCCCTATGTGAGCTCCTGGGCAGCCCCGAGCAGAGGCCTGGCATGCAG-3'